The following is an entry in ClinVar:

ClinVar aggregate classification (germline): Uncertain significance. Review status: criteria provided, multiple submitters, no conflicts (2 of 4 stars). 2 submissions from 2 submitters: Uncertain significance (2). Last evaluated 2026-05-12.

Conditions:
PLXNA3-related disorder. Also called: PLXNA3-related condition.

Allele frequency attached by ClinVar (database versions not stated): ExAC 0.00010; TOPMed 0.00010; gnomAD 0.00012.
gnomAD v4.1: 108 of 1,199,981 alleles (0.009%); highest among the groups gnomAD compares: Non-Finnish European, 0.011%; no homozygotes.

Submissions (2):

PreventionGenetics, part of Exact Sciences
Classification: Uncertain significance for PLXNA3-related condition. Last evaluated: 2026-05-12. Review status: criteria provided, single submitter. Criteria: ACMG Guidelines, 2015. Collection method: clinical testing. Allele origin: germline.
Comment: The PLXNA3 c.1468A>T variant is predicted to result in the amino acid substitution p.Thr490Ser. To our knowledge, this variant has not been reported in the literature. This variant is reported in 0.010% of alleles in individuals of European (Non-Finnish) descent in gnomAD, including 2 hemizygotes, which is likely too frequent for a disease-causing variant. Although we suspect that this variant may be benign, at this time, the clinical significance of this variant is uncertain due to the absence of conclusive functional and genetic evidence.

Ambry Genetics
Classification: Uncertain significance. Last evaluated: 2025-04-07. Review status: criteria provided, single submitter. Criteria: Ambry Variant Classification Scheme 2023. Collection method: clinical testing. Allele origin: germline.

NM_017514.5(PLXNA3):c.1468A>T (p.Thr490Ser)

Gene: PLXNA3 (plexin A3; plus strand). Cytogenetic location: Xq28.
Variant type: single nucleotide variant.
Coding change: c.1468A>T on transcript NM_017514.5 (MANE Select); coding-DNA position 1468, A replaced by T.
Protein change: p.Thr490Ser; replaces threonine 490 with serine.
Molecular consequence: missense variant.
Genome position (GRCh38, 1-based): chrX:154,463,611, A>T. VCF-style: chrX-154463611-A-T. GRCh37 (hg19) VCF-style: chrX-153691954-A-T.
Other names: short protein forms T490S.
Identifiers: ClinVar variation 2218601 (VCV002218601.5), dbSNP rs782449636, ClinGen allele CA10564051.